The following is an entry in ClinVar:

NM_000302.4(PLOD1):c.740A>G (p.Lys247Arg)

Gene: PLOD1 (procollagen-lysine,2-oxoglutarate 5-dioxygenase 1; plus strand). Cytogenetic location: 1p36.22.
Variant type: single nucleotide variant.
Coding change: c.740A>G on transcript NM_000302.4 (MANE Select); coding-DNA position 740, A replaced by G.
Protein change: p.Lys247Arg; replaces lysine 247 with arginine.
Molecular consequence: missense variant.
Genome position (GRCh38, 1-based): chr1:11,957,013, A>G. VCF-style: chr1-11957013-A-G. GRCh37 (hg19) VCF-style: chr1-12017070-A-G.
Other names: c.881A>G, p.Lys294Arg (NM_001316320.2); short protein forms K247R, K294R.
Identifiers: ClinVar variation 806065 (VCV000806065.43), dbSNP rs762431149, ClinGen allele CA598064.
Genomic context (GRCh38, chr1:11,957,013, plus strand): 5'-GAGCGAGGAACCTGGCCTATGACACCCTCCCGGTCCTGATCCATGGCAACGGGCCAACCA[A>G]GGTAGGGGGTCCCCAGCCCCTGGGGAGTGTGGGAGGGGGCCAGAGCCCTAATTTCATTCT-3'
Protein context (NP_000293.2, residues 237-257): PVLIHGNGPT[Lys247Arg]LQLNYLGNYI

ClinVar aggregate classification (germline): Uncertain significance. Review status: criteria provided, multiple submitters, no conflicts (2 of 4 stars). 2 submissions from 2 submitters: Uncertain significance (2). Last evaluated 2023-12-17.

Allele frequency attached by ClinVar (database versions not stated): ExAC 0.00001; gnomAD exomes 0.00001; TOPMed 0.00001.
gnomAD v4.1: 7 of 1,604,338 alleles (0.00044%); highest among the groups gnomAD compares: Admixed American, 0.0017%; no homozygotes.

Submissions (2):

Women's Health and Genetics/Laboratory Corporation of America, LabCorp
Classification: Uncertain significance. Last evaluated: 2023-12-17. Review status: criteria provided, single submitter. Criteria: LabCorp Variant Classification Summary - May 2015. Collection method: clinical testing. Allele origin: germline.

CeGaT Center for Human Genetics Tuebingen
Classification: Uncertain significance. Last evaluated: 2022-10-01. Review status: criteria provided, single submitter. Criteria: CeGaT Center For Human Genetics Tuebingen Variant Classification Criteria Version 2. Collection method: clinical testing. Allele origin: germline. Affected: yes. Observed: 2 variant alleles.
Comment: PLOD1: PM2, PP3